The following is an entry in ClinVar:

ClinVar aggregate classification (germline): Conflicting classifications of pathogenicity. Review status: criteria provided, conflicting classifications (1 of 4 stars). 2 submissions from 2 submitters: Uncertain significance (1); Benign (1). Last evaluated 2025-11-09.

Conditions:
Cardiovascular phenotype. Identifiers: MedGen CN230736.
RASopathy. Also called: rasopathies; Noonan spectrum disorder. Identifiers: Orphanet 536391, MedGen C5555857, MONDO:0021060.

Allele frequency attached by ClinVar (database versions not stated): gnomAD exomes 0.00001 and 0.00002; ExAC 0.00003; gnomAD 0.00006 and 0.00007; TOPMed 0.00007; 1000 Genomes Project 0.00040; 1000 Genomes Project 30x 0.00047.

Submissions (2):

Labcorp Genetics (formerly Invitae), Labcorp
Classification: Benign for RASopathy. Last evaluated: 2025-11-09. Review status: criteria provided, single submitter. Criteria: Invitae Variant Classification Sherloc (09022015). Collection method: clinical testing. Allele origin: germline.

Ambry Genetics
Classification: Uncertain significance for Cardiovascular phenotype. Last evaluated: 2022-12-18. Review status: criteria provided, single submitter. Criteria: Ambry Variant Classification Scheme 2023. Collection method: clinical testing. Allele origin: germline.
Comment: The p.M1172T variant (also known as c.3515T>C), located in coding exon 23 of the SOS1 gene, results from a T to C substitution at nucleotide position 3515. The methionine at codon 1172 is replaced by threonine, an amino acid with similar properties. This amino acid position is conserved. In addition, this alteration is predicted to be tolerated by in silico analysis. Since supporting evidence is limited at this time, the clinical significance of this alteration remains unclear.

NM_005633.4(SOS1):c.3515T>C (p.Met1172Thr)

Gene: SOS1 (SOS Ras/Rac guanine nucleotide exchange factor 1; minus strand). Cytogenetic location: 2p22.1.
Variant type: single nucleotide variant.
Coding change: c.3515T>C on transcript NM_005633.4 (MANE Select); coding-DNA position 3515, T replaced by C.
Protein change: p.Met1172Thr; replaces methionine 1172 with threonine.
Molecular consequence: missense variant.
Genome position (GRCh38, 1-based): chr2:38,986,311, A>G on the plus strand (T>C on the coding strand, the complement: SOS1 is on the minus strand). VCF-style: chr2-38986311-A-G. GRCh37 (hg19) VCF-style: chr2-39213452-A-G.
Other names: c.3494T>C, p.Met1165Thr (NM_001382394.1); c.3470T>C, p.Met1157Thr (NM_001382395.1); c.3515T>C (NM_005633.3); short protein forms M1165T, M1172T, M1157T.
Identifiers: ClinVar variation 1468100 (VCV001468100.8), dbSNP rs537874171, ClinGen allele CA1624153.